The following is an entry in ClinVar:

NM_000660.7(TGFB1):c.253C>T (p.Arg85Cys)

Genes: TGFB1 (transforming growth factor beta 1; minus strand), LOC130064510 (ATAC-STARR-seq lymphoblastoid silent region 10661; plus strand). Cytogenetic location: 19q13.2.
Variant type: single nucleotide variant.
Coding change: c.253C>T on transcript NM_000660.7 (MANE Select); coding-DNA position 253, C replaced by T.
Protein change: p.Arg85Cys; replaces arginine 85 with cysteine.
Molecular consequence: missense variant.
Genome position (GRCh38, 1-based): chr19:41,352,792, G>A on the plus strand (C>T on the coding strand, the complement: TGFB1 is on the minus strand). VCF-style: chr19-41352792-G-A. GRCh37 (hg19) VCF-style: chr19-41858697-G-A.
Other names: c.253C>T (NM_000660.4); short protein forms R85C.
Identifiers: ClinVar variation 2891454 (VCV002891454.4), dbSNP rs2513392521, ClinGen allele CA406005240.
Genomic context (GRCh38, chr19:41,352,792, plus strand): 5'-CGTAGTAGTCGGCCTCAGGCTCGGGCTCCGGTTCTGCACTCTCCCCGGCCACCCGGTCGC[G>A]GGTGCTGTTGTACAGGGCGAGCACGGCCTCGGGCAGCGGGCCGGGCGGCACCTCCCCCTG-3'
Protein context (NP_000651.3, residues 75-95): EAVLALYNST[Arg85Cys]DRVAGESAEP

ClinVar aggregate classification (germline): Uncertain significance. Review status: criteria provided, multiple submitters, no conflicts (2 of 4 stars). 2 submissions from 2 submitters: Uncertain significance (2). Last evaluated 2026-01-01.

Conditions:
Inborn genetic diseases. Identifiers: MedGen C0950123, MeSH D030342.

Submissions (2):

Labcorp Genetics (formerly Invitae), Labcorp
Classification: Uncertain significance. Last evaluated: 2026-01-01. Review status: criteria provided, single submitter. Criteria: Invitae Variant Classification Sherloc (09022015). Collection method: clinical testing. Allele origin: germline.
Comment: This sequence change replaces arginine, which is basic and polar, with cysteine, which is neutral and slightly polar, at codon 85 of the TGFB1 protein (p.Arg85Cys). This variant is not present in population databases (gnomAD no frequency). This variant has not been reported in the literature in individuals affected with TGFB1-related conditions. ClinVar contains an entry for this variant (Variation ID: 2891454). Invitae Evidence Modeling of protein sequence and biophysical properties (such as structural, functional, and spatial information, amino acid conservation, physicochemical variation, residue mobility, and thermodynamic stability) indicates that this missense variant is not expected to disrupt TGFB1 protein function with a negative predictive value of 80%. In summary, the available evidence is currently insufficient to determine the role of this variant in disease. Therefore, it has been classified as a Variant of Uncertain Significance.

Ambry Genetics
Classification: Uncertain significance for Inborn genetic diseases. Last evaluated: 2024-12-06. Review status: criteria provided, single submitter. Criteria: Ambry Variant Classification Scheme 2023. Collection method: clinical testing. Allele origin: germline.